The following is an entry in ClinVar:

ClinVar aggregate classification (germline): Conflicting classifications of pathogenicity. Review status: criteria provided, conflicting classifications (1 of 4 stars). 2 submissions from 2 submitters: Uncertain significance (1); Likely benign (1). Last evaluated 2026-08-14.

Conditions:
Hereditary cancer-predisposing syndrome. Also called: Hereditary Cancer Syndrome; Hereditary neoplastic syndrome; Neoplastic Syndromes, Hereditary; Tumor predisposition. Identifiers: Orphanet 140162, MedGen C0027672, MeSH D009386, MONDO:0015356.
Hereditary nonpolyposis colorectal neoplasms. Identifiers: MedGen C0009405, MeSH D003123.

Submissions (2):

Ambry Genetics
Classification: Likely benign for Hereditary cancer-predisposing syndrome. Last evaluated: 2026-08-14. Review status: criteria provided, single submitter. Criteria: Ambry Variant Classification Scheme 2023. Collection method: clinical testing. Allele origin: germline.

Labcorp Genetics (formerly Invitae), Labcorp
Classification: Uncertain significance for Hereditary nonpolyposis colorectal neoplasms. Last evaluated: 2023-01-03. Review status: criteria provided, single submitter. Criteria: Invitae Variant Classification Sherloc (09022015). Collection method: clinical testing. Allele origin: germline.
Comment: In summary, the available evidence is currently insufficient to determine the role of this variant in disease. Therefore, it has been classified as a Variant of Uncertain Significance. Advanced modeling of protein sequence and biophysical properties (such as structural, functional, and spatial information, amino acid conservation, physicochemical variation, residue mobility, and thermodynamic stability) performed at Invitae indicates that this missense variant is not expected to disrupt PMS2 protein function. This variant has not been reported in the literature in individuals affected with PMS2-related conditions. This variant is not present in population databases (gnomAD no frequency). This sequence change replaces alanine, which is neutral and non-polar, with glycine, which is neutral and non-polar, at codon 488 of the PMS2 protein (p.Ala488Gly).

NM_000535.7(PMS2):c.1463C>G (p.Ala488Gly)

Gene: PMS2 (PMS1 homolog 2, mismatch repair system component; minus strand). Cytogenetic location: 7p22.1.
Variant type: single nucleotide variant.
Coding change: c.1463C>G on transcript NM_000535.7 (MANE Select); coding-DNA position 1463, C replaced by G.
Protein change: p.Ala488Gly; replaces alanine 488 with glycine.
Molecular consequence: missense variant. On other transcripts: non-coding transcript variant (1), intron variant (1).
Genome position (GRCh38, 1-based): chr7:5,987,302, G>C on the plus strand (C>G on the coding strand, the complement: PMS2 is on the minus strand). VCF-style: chr7-5987302-G-C. GRCh37 (hg19) VCF-style: chr7-6026933-G-C.
Other names: c.1154C>G, p.Ala385Gly (NM_001406877.1, NM_001406878.1, NM_001406879.1 and 5 more transcripts); c.1145C>G, p.Ala382Gly (NM_001406883.1, NM_001406903.1, NM_001322007.2 and 2 more transcripts); c.1139C>G, p.Ala380Gly (NM_001406884.1); c.1127C>G, p.Ala376Gly (NM_001406885.1); c.1097C>G, p.Ala366Gly (NM_001406886.1); c.1058C>G, p.Ala353Gly (NM_001406896.1, NM_001406897.1, NM_001406898.1 and 17 more transcripts); c.998C>G, p.Ala333Gly (NM_001406900.1); c.989C>G, p.Ala330Gly (NM_001406901.1, NM_001406902.1); and 13 more; short protein forms A301G, A330G, A353G, A376G, A422G, A550G, A366G, A382G.
Identifiers: ClinVar variation 2451631 (VCV002451631.6), dbSNP rs587779328, ClinGen allele CA366741896.
Genomic context (GRCh38, chr7:5,987,302, plus strand): 5'-ATGCTGAACCCCTCAGAATCCACGGAAGTGCTGCCGTGCCCCGAGTCCTTCTCCACCTCC[G>C]CTCTGTCCGTAGGGTCACTGGGTCCGTGACTGGAACTCACTGCCTCTTTCTGAGGTCTCA-3'
Protein context (NP_000526.2, residues 478-498): SHGPSDPTDR[Ala488Gly]EVEKDSGHGS